The following is an entry in ClinVar:

ClinVar aggregate classification (germline): Uncertain significance (1 of 4 stars; one submission).

Conditions:
Hereditary cancer-predisposing syndrome. Also called: Neoplastic Syndromes, Hereditary; Tumor predisposition; Hereditary Cancer Syndrome; Hereditary neoplastic syndrome. Identifiers: Orphanet 140162, MedGen C0027672, MeSH D009386, MONDO:0015356.

gnomAD v4.1: 1 of 1,614,086 alleles (0.000062%); highest among the groups gnomAD compares: Non-Finnish European, 0.000085%; no homozygotes.

Submission:

Ambry Genetics
Classification: Uncertain significance for Hereditary cancer-predisposing syndrome. Last evaluated: 2025-09-16. Review status: criteria provided, single submitter. Criteria: Ambry Variant Classification Scheme 2023. Collection method: clinical testing. Allele origin: germline.
Comment: The p.Q93E variant (also known as c.277C>G), located in coding exon 2 of the RAD51C gene, results from a C to G substitution at nucleotide position 277. The glutamine at codon 93 is replaced by glutamic acid, an amino acid with highly similar properties. This amino acid position is conserved. In addition, this alteration is predicted to be tolerated by in silico analysis. Based on the available evidence, the clinical significance of this variant remains unclear.

NM_058216.3(RAD51C):c.277C>G (p.Gln93Glu)

Gene: RAD51C (RAD51 paralog C; plus strand). Cytogenetic location: 17q22.
Variant type: single nucleotide variant.
Coding change: c.277C>G on transcript NM_058216.3 (MANE Select); coding-DNA position 277, C replaced by G.
Protein change: p.Gln93Glu; replaces glutamine 93 with glutamic acid.
Molecular consequence: missense variant. On other transcripts: non-coding transcript variant (2).
Genome position (GRCh38, 1-based): chr17:58,695,062, C>G. VCF-style: chr17-58695062-C-G. GRCh37 (hg19) VCF-style: chr17-56772423-C-G.
Other names: c.277C>G, p.Gln93Glu (NM_002876.4); short protein forms Q93E.
Identifiers: ClinVar variation 4680769 (VCV004680769.1).